The following is an entry in ClinVar:

NM_003036.4(SKI):c.1148C>G (p.Ser383Cys)

Gene: SKI (SKI proto-oncogene; plus strand). Cytogenetic location: 1p36.32.
Variant type: single nucleotide variant.
Coding change: c.1148C>G on transcript NM_003036.4 (MANE Select); coding-DNA position 1148, C replaced by G.
Protein change: p.Ser383Cys; replaces serine 383 with cysteine.
Molecular consequence: missense variant.
Genome position (GRCh38, 1-based): chr1:2,303,337, C>G. VCF-style: chr1-2303337-C-G. GRCh37 (hg19) VCF-style: chr1-2234776-C-G.
Other names: short protein forms S383C.
Identifiers: ClinVar variation 4165706 (VCV004165706.1).

ClinVar aggregate classification (germline): Uncertain significance (1 of 4 stars; one submission).

Conditions:
Familial thoracic aortic aneurysm and aortic dissection (TAAD). Also called: Thoracic aortic aneurysms and dissections. Identifiers: Orphanet 91387, MedGen C4707243, MONDO:0019625.

Submission:

Ambry Genetics
Classification: Uncertain significance for Familial thoracic aortic aneurysm and aortic dissection. Last evaluated: 2025-06-15. Review status: criteria provided, single submitter. Criteria: Ambry Variant Classification Scheme 2023. Collection method: clinical testing. Allele origin: germline.
Comment: The p.S383C variant (also known as c.1148C>G), located in coding exon 3 of the SKI gene, results from a C to G substitution at nucleotide position 1148. The serine at codon 383 is replaced by cysteine, an amino acid with dissimilar properties. This amino acid position is conserved. In addition, this alteration is predicted to be deleterious by in silico analysis. Based on the available evidence, the clinical significance of this variant remains unclear.